The following is an entry in ClinVar:

NM_001110556.2(FLNA):c.5861-2A>G

Gene: FLNA (filamin A; minus strand). Cytogenetic location: Xq28.
Variant type: single nucleotide variant.
Coding change: c.5861-2A>G on transcript NM_001110556.2 (MANE Select); the canonical splice acceptor site of the intron before coding-DNA position 5861, A replaced by G.
Molecular consequence: splice acceptor variant.
Genome position (GRCh38, 1-based): chrX:154,353,459, T>C on the plus strand (A>G on the coding strand, the complement: FLNA is on the minus strand). VCF-style: chrX-154353459-T-C. GRCh37 (hg19) VCF-style: chrX-153581827-T-C.
Other names: c.5837-2A>G (NM_001456.4).
Identifiers: ClinVar variation 1691356 (VCV001691356.3), dbSNP rs2148105583, ClinGen allele CA415198513.

ClinVar aggregate classification (germline): Pathogenic/Likely pathogenic. Review status: criteria provided, multiple submitters, no conflicts (2 of 4 stars). 2 submissions from 2 submitters: Pathogenic (1); Likely pathogenic (1). Last evaluated 2024-02-15.

Conditions:
FLNA-related disorder.

Submissions (2):

Blueprint Genetics
Classification: Likely pathogenic for FLNA-related disorders. Last evaluated: 2024-02-15. Review status: criteria provided, single submitter. Criteria: ACMG Guidelines, 2015. Collection method: clinical testing. Allele origin: germline. Affected: yes. Observed: 1 variant allele.

Seattle Children's Hospital Molecular Genetics Laboratory, Seattle Children's Hospital
Classification: Pathogenic. Last evaluated: 2020-02-06. Review status: criteria provided, single submitter. Criteria: ACMG Guidelines, 2015. Collection method: clinical testing. Allele origin: germline. Affected: yes.
Comment: The c.5837-2A>G variant alters the acceptor splice site in intron 35 and is predicted to alter splicing. While this variant has not previously been reported, other FLNA splice variants have been documented in the literature as a cause of periventricular nodular heterotopia (PMID: 26471271, PMID: 23032111). This variant has not been observed in large population cohorts (0 of approx. 181,500 alleles; Genome Aggregation Database v2.1).